The following is an entry in ClinVar:

ClinVar aggregate classification (germline): Uncertain significance (1 of 4 stars; one submission).

Conditions:
Familial hypocalciuric hypercalcemia (FHH). Also called: Familial benign hypercalcemia. Identifiers: Orphanet 405, MedGen C1809471, MONDO:0018458.
Autosomal dominant hypocalcemia 1 (HYPOC1). Also called: HYPOCALCEMIA, FAMILIAL. Identifiers: MedGen C3715128, MONDO:0011013, OMIM 601198.

Submission:

Labcorp Genetics (formerly Invitae), Labcorp
Classification: Uncertain significance for Familial hypocalciuric hypercalcemia; Autosomal dominant hypocalcemia 1. Last evaluated: 2023-05-21. Review status: criteria provided, single submitter. Criteria: Invitae Variant Classification Sherloc (09022015). Collection method: clinical testing. Allele origin: germline.
Comment: In summary, the available evidence is currently insufficient to determine the role of this variant in disease. Therefore, it has been classified as a Variant of Uncertain Significance. An algorithm developed to predict the effect of missense changes on protein structure and function (PolyPhen-2) suggests that this variant is likely to be disruptive. This variant has not been reported in the literature in individuals affected with CASR-related conditions. This variant is not present in population databases (gnomAD no frequency). This sequence change replaces aspartic acid, which is acidic and polar, with histidine, which is basic and polar, at codon 31 of the CASR protein (p.Asp31His).

NM_000388.4(CASR):c.91G>C (p.Asp31His)

Gene: CASR (calcium sensing receptor; plus strand). Cytogenetic location: 3q21.1.
Variant type: single nucleotide variant.
Coding change: c.91G>C on transcript NM_000388.4 (MANE Select); coding-DNA position 91, G replaced by C.
Protein change: p.Asp31His; replaces aspartic acid 31 with histidine.
Molecular consequence: missense variant.
Genome position (GRCh38, 1-based): chr3:122,254,280, G>C. VCF-style: chr3-122254280-G-C. GRCh37 (hg19) VCF-style: chr3-121973127-G-C.
Other names: c.91G>C, p.Asp31His (NM_001178065.2); short protein forms D31H.
Identifiers: ClinVar variation 2948228 (VCV002948228.3), dbSNP rs2473205382, ClinGen allele CA354362111.